The following is an entry in ClinVar:

ClinVar aggregate classification (germline): Pathogenic. Review status: reviewed by expert panel (3 of 4 stars). 7 submissions from 7 submitters: Pathogenic (1). 6 of the submissions do not count toward it. Last evaluated 2013-09-05.

Conditions:
Hereditary nonpolyposis colorectal neoplasms. Identifiers: MedGen C0009405, MeSH D003123.
Hereditary cancer-predisposing syndrome. Also called: Hereditary Cancer Syndrome; Tumor predisposition; Neoplastic Syndromes, Hereditary; Hereditary neoplastic syndrome. Identifiers: Orphanet 140162, MedGen C0027672, MeSH D009386, MONDO:0015356.
Lynch syndrome. Identifiers: Orphanet 144, MedGen C4552100, MONDO:0005835. Disease mechanism: loss of function.
Lynch syndrome 5 (LYNCH5). Also called: Hereditary non-polyposis colorectal cancer, type 5; Colorectal cancer, hereditary nonpolyposis, type 5. Identifiers: Orphanet 144, MedGen C1833477, MONDO:0013710, OMIM 614350. Disease mechanism: loss of function.

Allele frequency attached by ClinVar (database versions not stated): gnomAD exomes below 0.00001; ExAC 0.00001.
gnomAD v4.1: 1 of 1,613,836 alleles (0.000062%); highest among the groups gnomAD compares: Non-Finnish European, 0.000085%; no homozygotes.

Submissions (7):

International Society for Gastrointestinal Hereditary Tumours (InSiGHT)
Classification: Pathogenic for Lynch Syndrome. Last evaluated: 2013-09-05. Review status: reviewed by expert panel. Criteria: Guidelines v1.9. Collection method: research. Allele origin: germline.
Comment: Variant causes splicing aberration (not quantified), >2 tumours with MSH6 protein loss, co-segregation with disease & absent in 1000 genomes.

Classified with v1.9 guidelines

Labcorp Genetics (formerly Invitae), Labcorp
Classification: Pathogenic for Hereditary nonpolyposis colorectal neoplasms. Last evaluated: 2025-04-02. Review status: criteria provided, single submitter. Criteria: Invitae Variant Classification Sherloc (09022015). Collection method: clinical testing. Allele origin: germline. Not counted in ClinVar's aggregate classification.
Comment: This sequence change affects an acceptor splice site in intron 7 of the MSH6 gene. It is expected to disrupt RNA splicing. Variants that disrupt the donor or acceptor splice site typically lead to a loss of protein function (PMID: 16199547), and loss-of-function variants in MSH6 are known to be pathogenic (PMID: 18269114, 24362816). This variant is present in population databases (rs267608111, gnomAD 0.0009%). Disruption of this splice site has been observed in individual(s) with clinical features of Lynch syndrome (PMID: 10508506, 18566915, 21836479, 27601186). It has also been observed to segregate with disease in related individuals. ClinVar contains an entry for this variant (Variation ID: 89435). Algorithms developed to predict the effect of sequence changes on RNA splicing suggest that this variant may disrupt the consensus splice site. For these reasons, this variant has been classified as Pathogenic.

Center for Genomic Medicine, Rigshospitalet, Copenhagen University Hospital
Classification: Pathogenic. Last evaluated: 2025-03-04. Review status: criteria provided, single submitter. Criteria: ACMG Guidelines, 2015. Collection method: clinical testing. Allele origin: germline. Not counted in ClinVar's aggregate classification.

Myriad Genetics, Inc.
Classification: Likely pathogenic for Lynch syndrome 5. Last evaluated: 2023-06-13. Review status: criteria provided, single submitter. Criteria: Myriad Autosomal Dominant, Autosomal Recessive and X-Linked Classification Criteria (2023). Collection method: clinical testing. Allele origin: unknown. Not counted in ClinVar's aggregate classification.
Comment: This variant is considered likely pathogenic. This variant occurs within a consensus splice junction and is predicted to result in abnormal mRNA splicing of either an out-of-frame exon or an in-frame exon necessary for protein stability and/or normal function.

CeGaT Center for Human Genetics Tuebingen
Classification: Pathogenic. Last evaluated: 2023-04-01. Review status: criteria provided, single submitter. Criteria: CeGaT Center For Human Genetics Tuebingen Variant Classification Criteria Version 2. Collection method: clinical testing. Allele origin: germline. Affected: yes. Observed: 2 variant alleles. Not counted in ClinVar's aggregate classification.
Comment: MSH6: PVS1, PM2

GeneDx
Classification: Pathogenic. Last evaluated: 2022-12-01. Review status: criteria provided, single submitter. Criteria: GeneDx Variant Classification Process June 2021. Collection method: clinical testing. Allele origin: germline. Affected: yes. Not counted in ClinVar's aggregate classification.
Comment: Canonical splice site variant demonstrated to result in aberrant splicing leading to a null allele in a gene for which loss of function is a known mechanism of disease (Sjursen et al., 2010); Not observed at significant frequency in large population cohorts (gnomAD); Classified as pathogenic by a well-established clinical consortium and/or database; Identified in patients with personal and family history of Lynch-related tumors and segregated with disease in at least one family (Wijnen et al., 1999; Hendriks et al., 2004; Sjursen et al., 2010; Keranen et al., 2018); This variant is associated with the following publications: (PMID: 34445333, 32849802, 27601186, 20587412, 30572730, 29922827, 10508506, 18841495, 15236168)

Ambry Genetics
Classification: Likely pathogenic for Hereditary cancer-predisposing syndrome. Last evaluated: 2022-01-24. Review status: criteria provided, single submitter. Criteria: Ambry Variant Classification Scheme 2023. Collection method: clinical testing. Allele origin: germline. Not counted in ClinVar's aggregate classification.
Comment: The c.3647-2A>C intronic variant results from an A to C substitution two nucleotides upstream from coding exon 8 in the MSH6 gene. This variant has been identified in Norwegian families meeting Amsterdam II criteria and several individuals demonstrated isolated loss of MSH6 on immunohistochemistry in their Lynch associated tumors; however, the tumors had low microsatellite instability (MSI-L) (Wijnen J et al. Nat. Genet., 1999 Oct;23:142-4; Grindedal EM et al. Fam. Cancer, 2009 Oct;8:145-51 Hendriks YM et al. Gastroenterology, 2004 Jul;127:17-25; Sjursen W et al. J. Med. Genet., 2010 Sep;47:579-85; Lagerstedt-Robinson K et al. Oncol. Rep., 2016 Nov;36:2823-2835). In one study, RT-PCR performed using a patient RNA sample reportedly demonstrated in-frame partial intron 7 retention with this variant, which would introduce a premature termination codon (Sjursen W et al. J. Med. Genet., 2010 Sep;47:579-85). This nucleotide position is highly conserved in available vertebrate species. In silico splice site analysis predicts that this alteration will weaken the native splice acceptor site and will result in the creation or strengthening of a novel splice acceptor site. Based on the majority of available evidence to date, this variant is likely to be pathogenic.

Literature cited by the submitters: PubMed 16199547 (cited by Labcorp Genetics (formerly Invitae), Labcorp); PubMed 18269114 (cited by Labcorp Genetics (formerly Invitae), Labcorp); PubMed 24362816 (cited by Labcorp Genetics (formerly Invitae), Labcorp); PubMed 10508506 (cited by Labcorp Genetics (formerly Invitae), Labcorp and Ambry Genetics); PubMed 18566915 (cited by Labcorp Genetics (formerly Invitae), Labcorp); PubMed 21836479 (cited by Labcorp Genetics (formerly Invitae), Labcorp); PubMed 27601186 (cited by 3 submitters); PubMed 20587412 (cited by Center for Genomic Medicine, Rigshospitalet, Copenhagen University Hospital and Ambry Genetics); PubMed 15236168 (cited by Ambry Genetics); PubMed 18841495 (cited by Ambry Genetics).

NM_000179.3(MSH6):c.3647-2A>C

Gene: MSH6 (mutS homolog 6; plus strand). Cytogenetic location: 2p16.3.
Variant type: single nucleotide variant.
Coding change: c.3647-2A>C on transcript NM_000179.3 (MANE Select); the canonical splice acceptor site of the intron before coding-DNA position 3647, A replaced by C.
Molecular consequence: splice acceptor variant.
Genome position (GRCh38, 1-based): chr2:47,806,202, A>C. VCF-style: chr2-47806202-A-C. GRCh37 (hg19) VCF-style: chr2-48033341-A-C.
Other names: c.3647-2A>C (NM_001406809.1, NM_001406796.1, NM_001406808.1 and 1 more transcripts); c.2741-2A>C (NM_001406811.1, NM_001406814.1, NM_001281493.2 and 6 more transcripts); c.3350-2A>C (NM_001406805.1, NM_001406797.1, NM_001406801.1 and 10 more transcripts); c.3743-2A>C (NM_001406795.1, NM_001406802.1); c.3653-2A>C (NM_001406813.1); c.3122-2A>C (NM_001406807.1, NM_001406799.1, NM_001406806.1); c.3473-2A>C (NM_001406798.1); c.2783-2A>C (NM_001406803.1); and 7 more.
Identifiers: ClinVar variation 89435 (VCV000089435.54), dbSNP rs267608111, ClinGen allele CA013656.
Genomic context (GRCh38, chr2:47,806,202, plus strand): 5'-TTAATTCCTTTTTTGTTTTAATTCCTTTGAGTTACTTCCTTATGCATATTTTACTTTAAC[A>C]GGAAGAGGTACTGCAACATTTGATGGGACGGCAATAGCAAATGCAGTTGTTAAAGAACTT-3'